The following is an entry in ClinVar:

ClinVar aggregate classification (germline): Uncertain significance. Review status: criteria provided, multiple submitters, no conflicts (2 of 4 stars). 5 submissions from 5 submitters: Uncertain significance (5). Last evaluated 2026-01-31.

Conditions:
POLD1-related polyposis and colorectal cancer syndrome (CRCS10). Also called: Colorectal cancer, susceptibility to, 10; Colorectal cancer 10; COLORECTAL CANCER, SUSCEPTIBILITY TO, ON CHROMOSOME 19q. Identifiers: Orphanet 220460, MedGen C2675481, MONDO:0012953, OMIM 612591.
Hereditary cancer-predisposing syndrome. Also called: Neoplastic Syndromes, Hereditary; Hereditary neoplastic syndrome; Hereditary Cancer Syndrome; Tumor predisposition. Identifiers: Orphanet 140162, MedGen C0027672, MeSH D009386, MONDO:0015356.

Allele frequency attached by ClinVar (database versions not stated): gnomAD exomes below 0.00001; TOPMed below 0.00001.
gnomAD v4.1: 6 of 1,595,952 alleles (0.00038%); highest among the groups gnomAD compares: Non-Finnish European, 0.00051%; no homozygotes.

Submissions (5):

Labcorp Genetics (formerly Invitae), Labcorp
Classification: Uncertain significance for POLD1-related polyposis and colorectal cancer syndrome. Last evaluated: 2026-01-31. Review status: criteria provided, single submitter. Criteria: Invitae Variant Classification Sherloc (09022015). Collection method: clinical testing. Allele origin: germline.
Comment: This sequence change replaces lysine, which is basic and polar, with glutamic acid, which is acidic and polar, at codon 486 of the POLD1 protein (p.Lys486Glu). The frequency data for this variant in the population databases is considered unreliable, as metrics indicate poor data quality at this position in the gnomAD database. This variant has not been reported in the literature in individuals affected with POLD1-related conditions. ClinVar contains an entry for this variant (Variation ID: 407945). Invitae Evidence Modeling of protein sequence and biophysical properties (such as structural, functional, and spatial information, amino acid conservation, physicochemical variation, residue mobility, and thermodynamic stability) indicates that this missense variant is expected to disrupt POLD1 protein function with a positive predictive value of 80%. This variant disrupts the p.Lys486 amino acid residue in POLD1. Other variant(s) that disrupt this residue have been determined to be pathogenic (PMID: 34954152). This suggests that this residue is clinically significant, and that variants that disrupt this residue are likely to be disease-causing. In summary, the available evidence is currently insufficient to determine the role of this variant in disease. Therefore, it has been classified as a Variant of Uncertain Significance.

Ambry Genetics
Classification: Uncertain significance for Hereditary cancer-predisposing syndrome. Last evaluated: 2025-08-02. Review status: criteria provided, single submitter. Criteria: Ambry Variant Classification Scheme 2023. Collection method: clinical testing. Allele origin: germline.
Comment: The p.K486E variant (also known as c.1456A>G), located in coding exon 11 of the POLD1 gene, results from an A to G substitution at nucleotide position 1456. The lysine at codon 486 is replaced by glutamic acid, an amino acid with similar properties. This amino acid position is highly conserved in available vertebrate species. In addition, the in silico prediction for this alteration is inconclusive. Since supporting evidence is limited at this time, the clinical significance of this alteration remains unclear.

KCCC/NGS Laboratory, Kuwait Cancer Control Center
Classification: Uncertain significance for POLD1-related polyposis and colorectal cancer syndrome. Last evaluated: 2024-11-03. Review status: criteria provided, single submitter. Criteria: ACMG Guidelines, 2015. Collection method: clinical testing. Allele origin: germline. Inheritance: Autosomal dominant inheritance. Affected: yes. Observed: 1 heterozygote.
Comment: The c.1456A>G (p.Lys486Glu) sequence change replaces lysine, which is basic and polar, with glutamic acid, which is acidic and polar, at codon 486 of the POLD1 protein (p.Lys486Glu). This amino acid position is highly conserved. The frequency data for this variant in the population databases is considered unreliable, as metrics indicate poor data quality at this position in the gnomAD database. This variant has not been reported in the literature in individuals affected with POLD1-related conditions. ClinVar contains an entry for this variant (Variation ID: 407945). In addition, the in silico prediction for this alteration is inconclusive. This variant disrupts the p.Lys486 amino acid residue in POLD1. Other variant(s) that disrupt this residue have been determined to be pathogenic (PMID: 34954152). This suggests that this residue is clinically significant, and that variants that disrupt this residue are likely to be disease-causing. In summary, the available evidence is currently insufficient to determine the role of this variant in disease. Therefore, it has been classified as a Variant of Uncertain Significance.

GeneDx
Classification: Uncertain significance. Last evaluated: 2024-07-12. Review status: criteria provided, single submitter. Criteria: GeneDx Variant Classification Process June 2021. Collection method: clinical testing. Allele origin: germline. Affected: yes.
Comment: Not observed at significant frequency in large population cohorts (gnomAD); In silico analysis supports that this missense variant has a deleterious effect on protein structure/function; Has not been previously published in peer reviewed literature as pathogenic or benign to our knowledge; This variant is associated with the following publications: (PMID: 20951805, 11988770)

Baylor Genetics
Classification: Uncertain significance for POLD1-related polyposis and colorectal cancer syndrome. Last evaluated: 2023-09-29. Review status: criteria provided, single submitter. Criteria: ACMG Guidelines, 2015. Collection method: clinical testing. Allele origin: unknown.

Literature cited by the submitters: PubMed 34954152 (cited by Labcorp Genetics (formerly Invitae), Labcorp).

NM_002691.4(POLD1):c.1456A>G (p.Lys486Glu)

Gene: POLD1 (DNA polymerase delta 1, catalytic subunit; plus strand). Cytogenetic location: 19q13.33.
Variant type: single nucleotide variant.
Coding change: c.1456A>G on transcript NM_002691.4 (MANE Select); coding-DNA position 1456, A replaced by G.
Protein change: p.Lys486Glu; replaces lysine 486 with glutamic acid.
Molecular consequence: missense variant. On other transcripts: non-coding transcript variant (1).
Genome position (GRCh38, 1-based): chr19:50,406,479, A>G. VCF-style: chr19-50406479-A-G. GRCh37 (hg19) VCF-style: chr19-50909736-A-G.
Other names: c.1456A>G, p.Lys486Glu (NM_001256849.1, NM_001308632.1); short protein forms K486E.
Identifiers: ClinVar variation 407945 (VCV000407945.18), dbSNP rs527486070, ClinGen allele CA16616373.